The following is an entry in ClinVar:

ClinVar aggregate classification (germline): Benign/Likely benign. Review status: criteria provided, multiple submitters, no conflicts (2 of 4 stars). 4 submissions from 4 submitters: Benign (1); Likely benign (2). 1 of the submissions does not count toward it. Last evaluated 2025-10-16.

Conditions:
ARID1B-Related Disorder. Identifiers: MedGen CN381337.

Allele frequency attached by ClinVar (database versions not stated): 1000 Genomes Project 0.00040; ESP Exome Variant Server 0.00046; 1000 Genomes Project 30x 0.00062.

Submissions (4):

Labcorp Genetics (formerly Invitae), Labcorp
Classification: Likely benign. Last evaluated: 2025-10-16. Review status: criteria provided, single submitter. Criteria: Invitae Variant Classification Sherloc (09022015). Collection method: clinical testing. Allele origin: germline.

Blueprint Genetics
Classification: Likely benign. Last evaluated: 2024-09-23. Review status: criteria provided, single submitter. Criteria: ACMG Guidelines, 2015. Collection method: clinical testing. Allele origin: germline.

GeneDx
Classification: Benign. Last evaluated: 2020-04-15. Review status: criteria provided, single submitter. Criteria: GeneDx Variant Classification Process June 2021. Collection method: clinical testing. Allele origin: germline. Affected: yes.

PreventionGenetics, part of Exact Sciences
Classification: Likely benign for ARID1B-related condition. Last evaluated: 2023-06-15. Review status: no assertion criteria provided. Collection method: clinical testing. Allele origin: germline. Not counted in ClinVar's aggregate classification.
Comment: This variant is classified as likely benign based on ACMG/AMP sequence variant interpretation guidelines (Richards et al. 2015 PMID: 25741868, with internal and published modifications).

NM_001374828.1(ARID1B):c.4270A>G (p.Met1424Val)

Gene: ARID1B (AT-rich interaction domain 1B; plus strand). Cytogenetic location: 6q25.3.
Variant type: single nucleotide variant.
Coding change: c.4270A>G on transcript NM_001374828.1 (MANE Select); coding-DNA position 4270, A replaced by G.
Protein change: p.Met1424Val; replaces methionine 1424 with valine.
Molecular consequence: missense variant.
Genome position (GRCh38, 1-based): chr6:157,196,203, A>G. VCF-style: chr6-157196203-A-G. GRCh37 (hg19) VCF-style: chr6-157517337-A-G.
Other names: c.1771A>G, p.Met591Val (NM_001363725.2); c.4150A>G, p.Met1384Val (NM_001371656.1, NM_001374820.1); c.4111A>G, p.Met1371Val (NM_017519.3); c.3901A>G (NM_020732.3); short protein forms M1371V, M1384V, M1424V, M591V.
Identifiers: ClinVar variation 1270401 (VCV001270401.7), dbSNP rs144029881, ClinGen allele CA4067582.